The following is an entry in ClinVar:

ClinVar aggregate classification (germline): Pathogenic. Review status: criteria provided, multiple submitters, no conflicts (2 of 4 stars). 5 submissions from 5 submitters: Pathogenic (5). Last evaluated 2025-09-16.

Conditions:
Glutaric aciduria, type 1. Also called: Glutaryl-CoA dehydrogenase deficiency; Glutaricaciduria, type I; Glutaric Acidemia Type 1; GA I; Glutaric acidemia type I; Glutaricacidemia Type 1. Identifiers: Orphanet 25, MedGen C0268595, MONDO:0009281, OMIM 231670.

Allele frequency attached by ClinVar (database versions not stated): gnomAD exomes below 0.00001; TOPMed 0.00001.
gnomAD v4.1: 7 of 1,614,020 alleles (0.00043%); highest among the groups gnomAD compares: Middle Eastern, 0.016%; no homozygotes.

Submissions (5):

3billion
Classification: Pathogenic for Glutaric aciduria, type 1. Last evaluated: 2025-09-16. Review status: criteria provided, single submitter. Criteria: ACMG Guidelines, 2015. Collection method: clinical testing. Allele origin: germline. Affected: yes.
Comment: The variant is observed at an extremely low frequency in the gnomAD v4.1.0 dataset (total allele frequency: <0.001%). Predicted Consequence/Location: Missense variant In silico tool predictions suggest damaging effect of the variant on gene or gene product [REVEL: 0.69 (>=0.6, sensitivity 0.68 and specificity 0.92); 3Cnet: 0.98 (> 0.75, sensitivity 0.96 and precision 0.92)]. The same nucleotide change resulting in the same amino acid change has been previously reported as pathogenic/likely pathogenic with strong evidence (ClinVar ID: VCV000850424 /PMID: 29665094). The variant has been reported to be in trans with a pathogenic variant as either compound heterozygous or homozygous in at least one similarly affected unrelated individual (PMID: 29665094, 31062211). A different missense change at the same codon (p.Arg161Gln) has been reported as pathogenic/likely pathogenic with strong evidence (ClinVar ID: VCV000188789 /PMID: 9600243 /3billion dataset). Therefore, this variant is classified as Pathogenic according to the recommendation of ACMG/AMP guideline.

Natera, Inc.
Classification: Pathogenic for Glutaric acidemia type 1. Last evaluated: 2024-12-17. Review status: criteria provided, single submitter. Criteria: Natera Variant Classification Schema (03/2026). Collection method: clinical testing. Allele origin: germline.
Comment: The c.481C>T variant in GCDH is a missense variant predicted to cause substitution of arginine to tryptophan at amino acid 161. This variant is rare in the general population with a frequency below the threshold expected for the associated phenotype(s). This variant has been observed in one or more individuals affected with the associated recessive disease, as either homozygous or compound heterozygous with a second variant (PMID: 33578440, 35662016, 11015709). A different variant at the same position has been determined to be Pathogenic or Likely Pathogenic. Computational prediction algorithms indicate this variant is likely to affect gene or protein function. Given the available evidence, this variant is classified as Pathogenic.

Labcorp Genetics (formerly Invitae), Labcorp
Classification: Pathogenic for Glutaric aciduria, type 1. Last evaluated: 2023-12-24. Review status: criteria provided, single submitter. Criteria: Invitae Variant Classification Sherloc (09022015). Collection method: clinical testing. Allele origin: germline.
Comment: This sequence change replaces arginine, which is basic and polar, with tryptophan, which is neutral and slightly polar, at codon 161 of the GCDH protein (p.Arg161Trp). This variant is present in population databases (no rsID available, gnomAD 0.0009%). This missense change has been observed in individual(s) with glutaric acidemia type I (PMID: 11015709, 29665094, 31062211). In at least one individual the data is consistent with being in trans (on the opposite chromosome) from a pathogenic variant. ClinVar contains an entry for this variant (Variation ID: 850424). Advanced modeling of protein sequence and biophysical properties (such as structural, functional, and spatial information, amino acid conservation, physicochemical variation, residue mobility, and thermodynamic stability) performed at Invitae indicates that this missense variant is expected to disrupt GCDH protein function with a positive predictive value of 80%. This variant disrupts the p.Arg161 amino acid residue in GCDH. Other variant(s) that disrupt this residue have been determined to be pathogenic (PMID: 9600243, 20836999, 28062662, 28781846). This suggests that this residue is clinically significant, and that variants that disrupt this residue are likely to be disease-causing. For these reasons, this variant has been classified as Pathogenic.

Women's Health and Genetics/Laboratory Corporation of America, LabCorp
Classification: Pathogenic for Glutaric aciduria, type 1. Last evaluated: 2023-11-14. Review status: criteria provided, single submitter. Criteria: LabCorp Variant Classification Summary - May 2015. Collection method: clinical testing. Allele origin: germline.
Comment: Variant summary: GCDH c.481C>T (p.Arg161Trp) results in a non-conservative amino acid change located in the Acyl-CoA dehydrogenase/oxidase, N-terminal domain (IPR013786) of the encoded protein sequence. Five of five in-silico tools predict a damaging effect of the variant on protein function. The variant allele was found at a frequency of 4e-06 in 251384 control chromosomes. c.481C>T has been reported in the literature in multiple homozygous individuals affected with Glutaric Acidemia Type 1 (e.g. Zayed_2019, Kilavuz_2021). These data indicate that the variant is very likely to be associated with disease. To our knowledge, no experimental evidence demonstrating an impact on protein function has been reported. The following publications have been ascertained in the context of this evaluation (PMID: 11015709, 31062211, 33578440). One submitter has cited clinical-significance assessments for this variant to ClinVar after 2014 and has classified the variant as pathogenic. Based on the evidence outlined above, the variant was classified as pathogenic.

Baylor Genetics
Classification: Pathogenic for Glutaric aciduria, type 1. Last evaluated: 2023-08-09. Review status: criteria provided, single submitter. Criteria: ACMG Guidelines, 2015. Collection method: clinical testing. Allele origin: unknown.

Literature cited by the submitters: PubMed 9600243 (cited by 3billion and Labcorp Genetics (formerly Invitae), Labcorp); PubMed 29665094 (cited by 3billion and Labcorp Genetics (formerly Invitae), Labcorp); PubMed 31062211 (cited by 3 submitters); PubMed 33578440 (cited by Natera, Inc. and Women's Health and Genetics/Laboratory Corporation of America, LabCorp); PubMed 35662016 (cited by Natera, Inc.); PubMed 11015709 (cited by 3 submitters); PubMed 20836999 (cited by Labcorp Genetics (formerly Invitae), Labcorp); PubMed 28062662 (cited by Labcorp Genetics (formerly Invitae), Labcorp); PubMed 28781846 (cited by Labcorp Genetics (formerly Invitae), Labcorp).

NM_000159.4(GCDH):c.481C>T (p.Arg161Trp)

Gene: GCDH (glutaryl-CoA dehydrogenase; plus strand). Cytogenetic location: 19p13.13.
Variant type: single nucleotide variant.
Coding change: c.481C>T on transcript NM_000159.4 (MANE Select); coding-DNA position 481, C replaced by T.
Protein change: p.Arg161Trp; replaces arginine 161 with tryptophan.
Molecular consequence: missense variant. On other transcripts: non-coding transcript variant (2).
Genome position (GRCh38, 1-based): chr19:12,893,629, C>T. VCF-style: chr19-12893629-C-T. GRCh37 (hg19) VCF-style: chr19-13004443-C-T.
Other names: c.481C>T, p.Arg161Trp (NM_013976.5); short protein forms R161W.
Identifiers: ClinVar variation 850424 (VCV000850424.14), dbSNP rs1173575355, ClinGen allele CA404317643.